The following is an entry in ClinVar:

ClinVar aggregate classification (germline): Likely benign (0 of 4 stars; one submission).

Conditions:
FOXP2-related disorder. Also called: FOXP2-related condition.

Allele frequency attached by ClinVar (database versions not stated): gnomAD exomes below 0.00001.
gnomAD v4.1: 1 of 1,613,078 alleles (0.000062%); highest among the groups gnomAD compares: African/African-American, 0.0013%; no homozygotes.

Submission:

PreventionGenetics, part of Exact Sciences
Classification: Likely benign for FOXP2-related condition. Last evaluated: 2019-05-22. Review status: no assertion criteria provided. Collection method: clinical testing. Allele origin: germline.
Comment: This variant is classified as likely benign based on ACMG/AMP sequence variant interpretation guidelines (Richards et al. 2015 PMID: 25741868, with internal and published modifications).

NM_014491.4(FOXP2):c.2003+9G>A

Gene: FOXP2 (forkhead box P2; plus strand). Cytogenetic location: 7q31.1.
Variant type: single nucleotide variant.
Coding change: c.2003+9G>A on transcript NM_014491.4 (MANE Select); 9 bases into the intron after coding-DNA position 2003, G replaced by A.
Molecular consequence: intron variant.
Genome position (GRCh38, 1-based): chr7:114,664,445, G>A. VCF-style: chr7-114664445-G-A. GRCh37 (hg19) VCF-style: chr7-114304500-G-A.
Other names: c.2078+9G>A (NM_148898.4); c.2054+9G>A (NM_148900.4); c.2000+9G>A (NM_001172766.3).
Identifiers: ClinVar variation 3039580 (VCV003039580.2), dbSNP rs2485506226, ClinGen allele CA2684564697.
Genomic context (GRCh38, chr7:114,664,445, plus strand): 5'-ACATTGACAGCAATGGAAACAGTAGTCCGGGCTGCTCACCTCAGCCGCACATGTAAGTGT[G>A]GTTAACAGACTCTCTAAAGGGAAGAATCTATATTAATATGCTTCTTAAATTTAGAATTTT-3'